The following is an entry in ClinVar:

ClinVar aggregate classification (germline): Likely benign (1 of 4 stars; one submission).

Conditions:
LEP-related disorder. Also called: LEP-related condition.

gnomAD v4.1: 17 of 1,614,176 alleles (0.0011%); highest among the groups gnomAD compares: East Asian, 0.0022%; no homozygotes.

Submission:

PreventionGenetics, part of Exact Sciences
Classification: Likely benign for LEP-related condition. Last evaluated: 2024-10-27. Review status: criteria provided, single submitter. Criteria: ACMG Guidelines, 2015. Collection method: clinical testing. Allele origin: germline.
Comment: This variant is classified as likely benign based on ACMG/AMP sequence variant interpretation guidelines (Richards et al. 2015 PMID: 25741868, with internal and published modifications).

NM_000230.3(LEP):c.351C>T (p.Cys117=)

Gene: LEP (leptin; plus strand). Cytogenetic location: 7q32.1.
Variant type: single nucleotide variant.
Coding change: c.351C>T on transcript NM_000230.3 (MANE Select); coding-DNA position 351, C replaced by T.
Protein change: p.Cys117=; no amino-acid change (cysteine 117 retained).
Molecular consequence: synonymous variant.
Genome position (GRCh38, 1-based): chr7:128,254,610, C>T. VCF-style: chr7-128254610-C-T. GRCh37 (hg19) VCF-style: chr7-127894663-C-T.
Identifiers: ClinVar variation 4978012 (VCV004978012.1).